The following is an entry in ClinVar:

NM_024407.4(NDUFS7):c.-277G>T

Genes: NDUFS7 (NADH:ubiquinone oxidoreductase core subunit S7; plus strand), LOC130062941 (ATAC-STARR-seq lymphoblastoid silent region 9705; plus strand). Cytogenetic location: 19p13.3.
Variant type: single nucleotide variant.
Coding change: c.-277G>T on transcript NM_024407.4; 277 bases upstream of the start codon, G replaced by T.
Genome position (GRCh38, 1-based): chr19:1,383,650, G>T. VCF-style: chr19-1383650-G-T. GRCh37 (hg19) VCF-style: chr19-1383649-G-T.
Identifiers: ClinVar variation 684335 (VCV000684335.4), dbSNP rs3848638, ClinGen allele CA14650832.

ClinVar aggregate classification (germline): Benign. Review status: criteria provided, multiple submitters, no conflicts (2 of 4 stars). 2 submissions from 2 submitters: Benign (2). Last evaluated 2018-06-14.

Allele frequency attached by ClinVar (database versions not stated): 1000 Genomes Project 30x 0.38289; gnomAD 0.41435 and 0.41534; 1000 Genomes Project 0.38119; TOPMed 0.41409.

Submissions (2):

GeneDx
Classification: Benign. Last evaluated: 2018-06-14. Review status: criteria provided, single submitter. Criteria: GeneDx Variant Classification (06012015). Collection method: clinical testing. Allele origin: germline. Affected: yes.
Comment: This variant is considered likely benign or benign based on one or more of the following criteria: it is a conservative change, it occurs at a poorly conserved position in the protein, it is predicted to be benign by multiple in silico algorithms, and/or has population frequency not consistent with disease.

Breakthrough Genomics
Classification: Benign. Review status: criteria provided, single submitter. Criteria: ACMG Guidelines, 2015. Collection method: not provided. Allele origin: germline. Inheritance: Autosomal recessive inheritance. Affected: yes.